The following is an entry in ClinVar:

NM_001005242.3(PKP2):c.2081T>G (p.Leu694Arg)

Gene: PKP2 (plakophilin 2; minus strand). Cytogenetic location: 12p11.21.
Variant type: single nucleotide variant.
Coding change: c.2081T>G on transcript NM_001005242.3 (MANE Select); coding-DNA position 2081, T replaced by G.
Protein change: p.Leu694Arg; replaces leucine 694 with arginine.
Molecular consequence: missense variant.
Genome position (GRCh38, 1-based): chr12:32,802,489, A>C on the plus strand (T>G on the coding strand, the complement: PKP2 is on the minus strand). VCF-style: chr12-32802489-A-C. GRCh37 (hg19) VCF-style: chr12-32955423-A-C.
Other names: p.L738R:CTG>CGG; c.2213T>G, p.Leu738Arg (NM_004572.4); short protein forms L738R, L694R.
Identifiers: ClinVar variation 202004 (VCV000202004.10), dbSNP rs794729115, ClinGen allele CA011805.

ClinVar aggregate classification (germline): Uncertain significance. Review status: criteria provided, multiple submitters, no conflicts (2 of 4 stars). 3 submissions from 3 submitters: Uncertain significance (3). Last evaluated 2025-06-24.

Conditions:
Cardiovascular phenotype. Identifiers: MedGen CN230736.
Arrhythmogenic right ventricular dysplasia 9 (ARVD9). Also called: ARRHYTHMOGENIC RIGHT VENTRICULAR DYSPLASIA, FAMILIAL, 9; Arrhythmogenic Right Ventricular Dysplasia/Cardiomyopathy 9. Identifiers: MedGen C1836906, MONDO:0012180, OMIM 609040.

Allele frequency attached by ClinVar (database versions not stated): gnomAD exomes below 0.00001; TOPMed 0.00001; gnomAD 0.00003.
gnomAD v4.1: 1 of 1,614,086 alleles (0.000062%); highest among the groups gnomAD compares: African/African-American, 0.0013%; no homozygotes.

Submissions (3):

Labcorp Genetics (formerly Invitae), Labcorp
Classification: Uncertain significance for Arrhythmogenic right ventricular dysplasia 9. Last evaluated: 2025-06-24. Review status: criteria provided, single submitter. Criteria: Invitae Variant Classification Sherloc (09022015). Collection method: clinical testing. Allele origin: germline.
Comment: This sequence change replaces leucine, which is neutral and non-polar, with arginine, which is basic and polar, at codon 738 of the PKP2 protein (p.Leu738Arg). This variant is present in population databases (rs794729115, gnomAD 0.01%). This variant has not been reported in the literature in individuals affected with PKP2-related conditions. ClinVar contains an entry for this variant (Variation ID: 202004). An algorithm developed to predict the effect of missense changes on protein structure and function (PolyPhen-2) suggests that this variant is likely to be disruptive. In summary, the available evidence is currently insufficient to determine the role of this variant in disease. Therefore, it has been classified as a Variant of Uncertain Significance.

Ambry Genetics
Classification: Uncertain significance for Cardiovascular phenotype. Last evaluated: 2022-02-12. Review status: criteria provided, single submitter. Criteria: Ambry Variant Classification Scheme 2023. Collection method: clinical testing. Allele origin: germline.
Comment: The p.L738R variant (also known as c.2213T>G), located in coding exon 11 of the PKP2 gene, results from a T to G substitution at nucleotide position 2213. The leucine at codon 738 is replaced by arginine, an amino acid with dissimilar properties. This amino acid position is conserved. In addition, this alteration is predicted to be deleterious by in silico analysis. Since supporting evidence is limited at this time, the clinical significance of this alteration remains unclear.

GeneDx
Classification: Uncertain significance. Last evaluated: 2019-12-16. Review status: criteria provided, single submitter. Criteria: GeneDx Variant Classification Process June 2021. Collection method: clinical testing. Allele origin: germline. Affected: yes.
Comment: Has not been previously published as pathogenic or benign to our knowledge; Not observed at a significant frequency in large population cohorts (Lek et al., 2016); In silico analysis, which includes protein predictors and evolutionary conservation, supports a deleterious effect